The following is an entry in ClinVar:

ClinVar aggregate classification (germline): Likely benign (1 of 4 stars; one submission).

Conditions:
Schimke immuno-osseous dysplasia (SIOD). Also called: Schimke Immunoosseous Dysplasia. Identifiers: Orphanet 1830, MedGen C0877024, MONDO:0009458, OMIM 242900.

Allele frequency attached by ClinVar (database versions not stated): 1000 Genomes Project 0.01777; gnomAD 0.01874 and 0.02034; 1000 Genomes Project 30x 0.01999; TOPMed 0.02098.

Submission:

Illumina Laboratory Services, Illumina
Classification: Likely benign for Schimke immuno-osseous dysplasia. Last evaluated: 2017-04-27. Review status: criteria provided, single submitter. Criteria: ICSL Variant Classification Criteria 13 December 2019. Collection method: clinical testing. Allele origin: germline.
Comment: This variant was observed as part of a predisposition screen in an ostensibly healthy population. A literature search was performed for the gene, cDNA change, and amino acid change (where applicable). No publications were found based on this search. Allele frequency data from public databases allowed determination this variant is unlikely to cause disease. Therefore, this variant is classified as likely benign.

NM_014140.4(SMARCAL1):c.-200G>A

Genes: SMARCAL1 (SNF2 related chromatin remodeling annealing helicase 1; plus strand), LOC112806077 (Sharpr-MPRA regulatory region 13820; plus strand). Cytogenetic location: 2q35.
Variant type: single nucleotide variant.
Coding change: c.-200G>A on transcript NM_014140.4 (MANE Select); 200 bases upstream of the start codon, G replaced by A.
Molecular consequence: 5 prime UTR variant.
Genome position (GRCh38, 1-based): chr2:216,412,544, G>A. VCF-style: chr2-216412544-G-A. GRCh37 (hg19) VCF-style: chr2-217277267-G-A.
Identifiers: ClinVar variation 334281 (VCV000334281.5), dbSNP rs79352134, ClinGen allele CA10614264.
Genomic context (GRCh38, chr2:216,412,544, plus strand): 5'-AGCCCTTCAGGCCTGGCCGCTACAATAAGGCTGGCGAACTCGCAGCGCTTGAATACCCGT[G>A]GCCTAACCGTCCACTCGGAAGACCGGTCCCGCTCGGGAGGCTCTGCAGTCGCGCCTGGGG-3'